The following is an entry in ClinVar:

ClinVar aggregate classification (germline): Uncertain significance (1 of 4 stars; one submission).

gnomAD v4.1: 15 of 1,599,272 alleles (0.00094%); highest among the groups gnomAD compares: African/African-American, 0.0027%; no homozygotes.

Submission:

Women's Health and Genetics/Laboratory Corporation of America, LabCorp
Classification: Uncertain significance. Last evaluated: 2024-07-24. Review status: criteria provided, single submitter. Criteria: LabCorp Variant Classification Summary - May 2015. Collection method: clinical testing. Allele origin: germline.
Comment: Variant summary: CPA6 c.636A>G (p.Glu212Glu) alters a conserved nucleotide located close to a canonical splice site and therefore could affect mRNA splicing, leading to a significantly altered protein sequence. Consensus agreement among computation tools predict no significant impact on normal splicing. However, these predictions have yet to be confirmed by functional studies. The variant was absent in 250982 control chromosomes. The available data on variant occurrences in the general population are insufficient to allow any conclusion about variant significance. To our knowledge, no occurrence of c.636A>G in individuals affected with CPA6-Related Disorders and no experimental evidence demonstrating its impact on protein function have been reported. No submitters have cited clinical-significance assessments for this variant to ClinVar. Based on the evidence outlined above, the variant was classified as uncertain significance.

NM_020361.5(CPA6):c.636A>G (p.Glu212=)

Gene: CPA6 (carboxypeptidase A6; minus strand). Cytogenetic location: 8q13.2.
Variant type: single nucleotide variant.
Coding change: c.636A>G on transcript NM_020361.5 (MANE Select); coding-DNA position 636, A replaced by G.
Protein change: p.Glu212=; no amino-acid change (glutamic acid 212 retained).
Molecular consequence: synonymous variant.
Genome position (GRCh38, 1-based): chr8:67,506,787, T>C on the plus strand (A>G on the coding strand, the complement: CPA6 is on the minus strand). VCF-style: chr8-67506787-T-C. GRCh37 (hg19) VCF-style: chr8-68419022-T-C.
Identifiers: ClinVar variation 3339363 (VCV003339363.1).